The following is an entry in ClinVar:

ClinVar aggregate classification (germline): Likely pathogenic (1 of 4 stars; one submission).

Submission:

GeneDx
Classification: Likely pathogenic. Last evaluated: 2023-03-06. Review status: criteria provided, single submitter. Criteria: GeneDx Variant Classification Process June 2021. Collection method: clinical testing. Allele origin: germline. Affected: yes.
Comment: Not observed at significant frequency in large population cohorts (gnomAD); Missense variants in this gene are often considered pathogenic (HGMD); In silico analysis supports that this missense variant has a deleterious effect on protein structure/function; Has not been previously published as pathogenic or benign to our knowledge; This substitution is predicted to be within the Intracellular loop between S2 and S3 of transmembrane segments of the first homologous domain

NM_001040142.2(SCN2A):c.547G>T (p.Asp183Tyr)

Gene: SCN2A (sodium voltage-gated channel alpha subunit 2; plus strand). Cytogenetic location: 2q24.3.
Variant type: single nucleotide variant.
Coding change: c.547G>T on transcript NM_001040142.2 (MANE Select); coding-DNA position 547, G replaced by T.
Protein change: p.Asp183Tyr; replaces aspartic acid 183 with tyrosine.
Molecular consequence: missense variant.
Genome position (GRCh38, 1-based): chr2:165,308,736, G>T. VCF-style: chr2-165308736-G-T. GRCh37 (hg19) VCF-style: chr2-166165246-G-T.
Other names: c.547G>T, p.Asp183Tyr (NM_001040143.2, NM_001371246.1, NM_001371247.1 and 1 more transcripts); short protein forms D183Y.
Identifiers: ClinVar variation 2579387 (VCV002579387.1), dbSNP rs2467884030, ClinGen allele CA349016466.